The following is an entry in ClinVar:

ClinVar aggregate classification (germline): Uncertain significance (1 of 4 stars; one submission).

Conditions:
Spermatogenic failure 32. Identifiers: MedGen C4748253, MONDO:0020855, OMIM 618115.

Allele frequency attached by ClinVar (database versions not stated): gnomAD 0.00005; gnomAD exomes 0.00006; TOPMed 0.00006; ExAC 0.00015.
gnomAD v4.1: 95 of 1,604,364 alleles (0.0059%); highest among the groups gnomAD compares: East Asian, 0.043%; no homozygotes.

Submission:

Neuberg Centre For Genomic Medicine, NCGM
Classification: Uncertain significance for Spermatogenic failure 32. Review status: criteria provided, single submitter. Criteria: ACMG Guidelines, 2015. Collection method: clinical testing. Allele origin: germline. Inheritance: Autosomal dominant inheritance. Affected: yes.
Comment: The missense variant c.743C>Tp.Ser248Leu in SOHLH1 gene has been reported in heterozygous state in a patient affected with SOHLH1 related disorder Zhao et. al., 2015. The p.Ser248Leu variant is novel not in any individuals in 1000 Genomes and has allele frequency of 0.01% in gnomAD exomes database. This variant has not been reported to the ClinVar database. The amino acid Ser at position 248 is changed to a Leu changing protein sequence and it might alter its composition and physico-chemical properties. For these reasons, this variant has been classified as Uncertain Significance VUS.

NM_001101677.2(SOHLH1):c.743C>T (p.Ser248Leu)

Gene: SOHLH1 (spermatogenesis and oogenesis specific basic helix-loop-helix 1; minus strand). Cytogenetic location: 9q34.3.
Variant type: single nucleotide variant.
Coding change: c.743C>T on transcript NM_001101677.2 (MANE Select); coding-DNA position 743, C replaced by T.
Protein change: p.Ser248Leu; replaces serine 248 with leucine.
Molecular consequence: missense variant.
Genome position (GRCh38, 1-based): chr9:135,695,182, G>A on the plus strand (C>T on the coding strand, the complement: SOHLH1 is on the minus strand). VCF-style: chr9-135695182-G-A. GRCh37 (hg19) VCF-style: chr9-138587028-G-A.
Other names: c.743C>T, p.Ser248Leu (NM_001012415.3); short protein forms S248L.
Identifiers: ClinVar variation 3235006 (VCV003235006.1), dbSNP rs550754812, ClinGen allele CA5325794.